The following is an entry in ClinVar:

ClinVar aggregate classification (germline): Uncertain significance (1 of 4 stars; one submission).

Conditions:
Pierson syndrome. Also called: MICROCORIA-CONGENITAL NEPHROTIC SYNDROME. Identifiers: Orphanet 2670, MedGen C1836876, MONDO:0012184, OMIM 609049.
LAMB2-related infantile-onset nephrotic syndrome. Also called: Nephrotic Syndrome, type 5; NEPHROTIC SYNDROME, TYPE 5, WITHOUT OCULAR ABNORMALITIES; NEPHROTIC SYNDROME, TYPE 5, WITH OCULAR ABNORMALITIES. Identifiers: Orphanet 306507, MedGen C3280113, MONDO:0013621, OMIM 614199.

gnomAD v4.1: 1 of 1,613,630 alleles (0.000062%); highest among the groups gnomAD compares: Non-Finnish European, 0.000085%; no homozygotes.

Submission:

Labcorp Genetics (formerly Invitae), Labcorp
Classification: Uncertain significance for LAMB2-related infantile-onset nephrotic syndrome; Pierson syndrome. Last evaluated: 2025-06-25. Review status: criteria provided, single submitter. Criteria: Invitae Variant Classification Sherloc (09022015). Collection method: clinical testing. Allele origin: germline.
Comment: This sequence change replaces proline, which is neutral and non-polar, with threonine, which is neutral and polar, at codon 73 of the LAMB2 protein (p.Pro73Thr). This variant is not present in population databases (gnomAD no frequency). This variant has not been reported in the literature in individuals affected with LAMB2-related conditions. An algorithm developed to predict the effect of missense changes on protein structure and function (PolyPhen-2) suggests that this variant is likely to be disruptive. In summary, the available evidence is currently insufficient to determine the role of this variant in disease. Therefore, it has been classified as a Variant of Uncertain Significance.

NM_002292.4(LAMB2):c.217C>A (p.Pro73Thr)

Gene: LAMB2 (laminin subunit beta 2; minus strand). Cytogenetic location: 3p21.31.
Variant type: single nucleotide variant.
Coding change: c.217C>A on transcript NM_002292.4 (MANE Select); coding-DNA position 217, C replaced by A.
Protein change: p.Pro73Thr; replaces proline 73 with threonine.
Molecular consequence: missense variant.
Genome position (GRCh38, 1-based): chr3:49,132,523, G>T on the plus strand (C>A on the coding strand, the complement: LAMB2 is on the minus strand). VCF-style: chr3-49132523-G-T. GRCh37 (hg19) VCF-style: chr3-49169956-G-T.
Other names: short protein forms P73T.
Identifiers: ClinVar variation 4793786 (VCV004793786.1).
Genomic context (GRCh38, chr3:49,132,523, plus strand): 5'-CGGCGTCACACCCTGTCCCCAGCCACACCTGCAGGTGACTGACGATGCAGTAGGGCTGGG[G>T]GCCATTCAGGCCACAAGTGGATGAGGCAGTCAGTCTGTCAGCTCGGCCCACCAGCAGGTC-3'
Protein context (NP_002283.3, residues 63-83): TASSTCGLNG[Pro73Thr]QPYCIVSHLQ